The following is an entry in ClinVar:

NM_022489.4(INF2):c.2599G>A (p.Glu867Lys)

Gene: INF2 (inverted formin 2; plus strand). Cytogenetic location: 14q32.33.
Variant type: single nucleotide variant.
Coding change: c.2599G>A on transcript NM_022489.4 (MANE Select); coding-DNA position 2599, G replaced by A.
Protein change: p.Glu867Lys; replaces glutamic acid 867 with lysine.
Molecular consequence: missense variant.
Genome position (GRCh38, 1-based): chr14:104,712,542, G>A. VCF-style: chr14-104712542-G-A. GRCh37 (hg19) VCF-style: chr14-105178879-G-A.
Other names: c.2599G>A, p.Glu867Lys (NM_001031714.4); short protein forms E867K.
Identifiers: ClinVar variation 1050997 (VCV001050997.13), dbSNP rs777850657, ClinGen allele CA7372989.
Genomic context (GRCh38, chr14:104,712,542, plus strand): 5'-CTTCTGGAGACCGAGCGGAAGGTGTCTGCCTCCGTGGCCGAGGTCCAGGAGCAGTACACC[G>A]AGCGCCTCCAGGCAAGTGGGCACCTGGGCCTGGGGCTGGCGGGAGAGGCTGCCCTGATAG-3'
Protein context (NP_071934.3, residues 857-877): SVAEVQEQYT[Glu867Lys]RLQASISAFR

ClinVar aggregate classification (germline): Likely benign. Review status: criteria provided, multiple submitters, no conflicts (2 of 4 stars). 4 submissions from 4 submitters: Likely benign (3). 1 of the submissions does not count toward it. Last evaluated 2026-06-16.

Conditions:
Inborn genetic diseases. Identifiers: MedGen C0950123, MeSH D030342.
INF2-related disorder. Also called: INF2-related condition.
Charcot-Marie-Tooth disease dominant intermediate E. Also called: CHARCOT-MARIE-TOOTH NEUROPATHY WITH FOCAL SEGMENTAL GLOMERULONEPHRITIS. Identifiers: Orphanet 93114, MedGen C4302667, MONDO:0013758, OMIM 614455.
Focal segmental glomerulosclerosis 5 (FSGS5). Identifiers: Orphanet 656, MedGen C2750475, MONDO:0013191, OMIM 613237.

Allele frequency attached by ClinVar (database versions not stated): TOPMed 0.00002; gnomAD exomes 0.00006; ExAC 0.00009.
gnomAD v4.1: 65 of 1,612,504 alleles (0.004%); highest among the groups gnomAD compares: South Asian, 0.023%; no homozygotes.

Submissions (4):

PreventionGenetics, part of Exact Sciences
Classification: Likely benign for INF2-related condition. Last evaluated: 2026-06-16. Review status: criteria provided, single submitter. Criteria: ACMG Guidelines, 2015. Collection method: clinical testing. Allele origin: germline.
Comment: This variant is classified as likely benign based on ACMG/AMP sequence variant interpretation guidelines (Richards et al. 2015 PMID: 25741868, with internal and published modifications).

Labcorp Genetics (formerly Invitae), Labcorp
Classification: Likely benign for Charcot-Marie-Tooth disease dominant intermediate E; Focal segmental glomerulosclerosis 5. Last evaluated: 2025-06-12. Review status: criteria provided, single submitter. Criteria: Invitae Variant Classification Sherloc (09022015). Collection method: clinical testing. Allele origin: germline.

Ambry Genetics
Classification: Likely benign for Inborn genetic diseases. Last evaluated: 2022-09-01. Review status: criteria provided, single submitter. Criteria: Ambry Variant Classification Scheme 2023. Collection method: clinical testing. Allele origin: germline.

Genetic Services Laboratory, University of Chicago
Classification: Uncertain significance. Last evaluated: 2022-06-13. Review status: no assertion criteria provided. Collection method: clinical testing. Allele origin: germline. Affected: no. Not counted in ClinVar's aggregate classification.
Comment: DNA sequence analysis of the INF2 gene demonstrated a sequence change, c.2599G>A, in exon 17 that results in an amino acid change, p.Glu867Lys. This sequence change has been described in the gnomAD database with a frequency of 0.036% in the South Asian subpopulation (dbSNP rs777850657). The p.Glu867Lys change affects a poorly conserved amino acid residue located in a domain of the INF2 protein that is known to be functional. The p.Glu867Lys substitution appears to be benign using several in-silico pathogenicity prediction tools (SIFT, PolyPhen2, Align GVGD, REVEL). This sequence change does not appear to have been previously described in individuals with INF2-related disorders. Due to insufficient evidences and the lack of functional studies, the clinical significance of the p.Glu867Lys change remains unknown at this time.